The following is an entry in ClinVar:

NM_001374385.1(ATP8B1):c.2947_2948insTGCTTGTATGTTTTTATCTTTATCTTTGGTTATTTTTTCATGTTGACATTAAGAGTAGCGT (p.Trp983fs)

Genes: ATP8B1 (ATPase phospholipid transporting 8B1; minus strand), ATP8B1-AS1 (ATP8B1 antisense RNA 1; plus strand). Cytogenetic location: 18q21.31.
Variant type: Insertion.
Coding change: c.2947_2948insTGCTTGTATGTTTTTATCTTTATCTTTGGTTATTTTTTCATGTTGACATTAAGAGTAGCGT on transcript NM_001374385.1 (MANE Select); coding-DNA positions 2947 to 2948, TGCTTGTATGTTTTTATCTTTATCTTTGGTTATTTTTTCATGTTGACATTAAGAGTAGCGT inserted.
Protein change: p.Trp983fs; shifts the reading frame from tryptophan 983.
Molecular consequence: frameshift variant.
Genome position: GRCh38: chr18:57,654,060-57,654,061. GRCh37 (hg19): chr18:55,321,292-55,321,293.
Other names: c.2797_2798insTGCTTGTATGTTTTTATCTTTATCTTTGGTTATTTTTTCATGTTGACATTAAGAGTAGCGT, p.Trp933fs (NM_001374386.1); c.2947_2948insTGCTTGTATGTTTTTATCTTTATCTTTGGTTATTTTTTCATGTTGACATTAAGAGTAGCGT, p.Trp983fs (NM_005603.6); short protein forms W983fs, W933fs.
Identifiers: ClinVar variation 2801695 (VCV002801695.3), dbSNP rs2511625410, ClinGen allele CA2739268768.

ClinVar aggregate classification (germline): Pathogenic (1 of 4 stars; one submission).

Submission:

Labcorp Genetics (formerly Invitae), Labcorp
Classification: Pathogenic. Last evaluated: 2023-11-13. Review status: criteria provided, single submitter. Criteria: Invitae Variant Classification Sherloc (09022015). Collection method: clinical testing. Allele origin: germline.
Comment: This sequence change creates a premature translational stop signal (p.Trp983Leufs*47) in the ATP8B1 gene. It is expected to result in an absent or disrupted protein product. Loss-of-function variants in ATP8B1 are known to be pathogenic (PMID: 15239083, 22525741). This variant is not present in population databases (gnomAD no frequency). This variant has not been reported in the literature in individuals affected with ATP8B1-related conditions. For these reasons, this variant has been classified as Pathogenic.

Literature cited by the submitters: PubMed 15239083; PubMed 22525741.